The following is an entry in ClinVar:

ClinVar aggregate classification (germline): Uncertain significance (1 of 4 stars; one submission).

Conditions:
Hereditary cancer-predisposing syndrome. Also called: Neoplastic Syndromes, Hereditary; Tumor predisposition; Hereditary Cancer Syndrome; Hereditary neoplastic syndrome. Identifiers: Orphanet 140162, MedGen C0027672, MeSH D009386, MONDO:0015356.

Submission:

Ambry Genetics
Classification: Uncertain significance for Hereditary cancer-predisposing syndrome. Last evaluated: 2016-03-03. Review status: criteria provided, single submitter. Criteria: Ambry Variant Classification Scheme 2023. Collection method: clinical testing. Allele origin: germline.
Comment: The p.E499A variant (also known as c.1496A>C), located in coding exon 12 of the MRE11A gene, results from an A to C substitution at nucleotide position 1496. The glutamic acid at codon 499 is replaced by alanine, an amino acid with dissimilar properties. This variant was not reported in population based cohorts in the following databases: Database of Single Nucleotide Polymorphisms (dbSNP), NHLBI Exome Sequencing Project (ESP), and 1000 Genomes Project. In the ESP, this variant was not observed in 6499 samples (12998 alleles) with coverage at this position. To date, this alteration has been detected with an allele frequency of approximately 0.001% (greater than 120000 alleles tested) in our clinical cohort. This amino acid position is well conserved in available vertebrate species. In addition, this alteration is predicted to be tolerated by in silico analysis. Since supporting evidence is limited at this time, the clinical significance of this alteration remains unclear.

NM_005591.4(MRE11):c.1496A>C (p.Glu499Ala)

Gene: MRE11 (MRE11 double strand break repair nuclease; minus strand). Cytogenetic location: 11q21.
Variant type: single nucleotide variant.
Coding change: c.1496A>C on transcript NM_005591.4 (MANE Select); coding-DNA position 1496, A replaced by C.
Protein change: p.Glu499Ala; replaces glutamic acid 499 with alanine.
Molecular consequence: missense variant.
Genome position (GRCh38, 1-based): chr11:94,459,412, T>G on the plus strand (A>C on the coding strand, the complement: MRE11 is on the minus strand). VCF-style: chr11-94459412-T-G. GRCh37 (hg19) VCF-style: chr11-94192578-T-G.
Other names: c.1496A>C, p.Glu499Ala (NM_001330347.2, NM_005590.4); short protein forms E499A.
Identifiers: ClinVar variation 481750 (VCV000481750.5), dbSNP rs774145193, ClinGen allele CA382371619.
Genomic context (GRCh38, chr11:94,459,412, plus strand): 5'-CTACTCTTAAAGACAGACTATTTAAATAGACCTAGACACTCAAATTAGTTACTTACCTCC[T>G]CATCGATTTTGTCTTCGAGGGCATCAATATGACGTTCTTTAAGAAATCGCTGTGTTTTTT-3'
Protein context (NP_005582.1, residues 489-509): HIDALEDKID[Glu499Ala]EVRRFRETRQ